The following is an entry in ClinVar:

ClinVar aggregate classification (germline): Uncertain significance (1 of 4 stars; one submission).

Conditions:
Arrhythmogenic cardiomyopathy with wooly hair and keratoderma. Also called: Carvajal syndrome; PALMOPLANTAR KERATODERMA WITH LEFT VENTRICULAR CARDIOMYOPATHY AND WOOLLY HAIR; Dilated cardiomyopathy with woolly hair and keratoderma; Arrhythmogenic cardiomyopathy with woolly hair and keratoderma. Identifiers: Orphanet 65282, MedGen C1854063, MONDO:0011581, OMIM 605676.

Submission:

All of Us Research Program, National Institutes of Health
Classification: Uncertain significance for Arrhythmogenic cardiomyopathy with wooly hair and keratoderma. Last evaluated: 2023-04-03. Review status: criteria provided, single submitter. Criteria: ACMG Guidelines, 2015. Collection method: clinical testing. Allele origin: germline. Inheritance: Autosomal dominant inheritance. Observed: 1 variant allele, 1 heterozygote.
Comment: This missense variant replaces arginine with leucine at codon 2160 of the DSP protein. Computational prediction suggests that this variant may not impact protein structure and function (internally defined REVEL score threshold <= 0.5, PMID: 27666373). To our knowledge, functional studies have not been reported for this variant. This variant has not been reported in individuals affected with DSP-related disorders in the literature. This variant has not been identified in the general population by the Genome Aggregation Database (gnomAD). The available evidence is insufficient to determine the role of this variant in disease conclusively. Therefore, this variant is classified as a Variant of Uncertain Significance.

This study involves interpretation of variants in research participants for the purpose of population health screening. Participant phenotype was not available at the time of variant classification. Additional details can be found in publication PMID: 35346344, PMCID: PMC8962531

NM_004415.4(DSP):c.6479G>T (p.Arg2160Leu)

Gene: DSP (desmoplakin; plus strand). Cytogenetic location: 6p24.3.
Variant type: single nucleotide variant.
Coding change: c.6479G>T on transcript NM_004415.4 (MANE Select); coding-DNA position 6479, G replaced by T.
Protein change: p.Arg2160Leu; replaces arginine 2160 with leucine.
Molecular consequence: missense variant.
Genome position (GRCh38, 1-based): chr6:7,583,741, G>T. VCF-style: chr6-7583741-G-T. GRCh37 (hg19) VCF-style: chr6-7583974-G-T.
Other names: c.4682G>T, p.Arg1561Leu (NM_001008844.3); c.5150G>T, p.Arg1717Leu (NM_001319034.2); short protein forms R1561L, R1717L, R2160L.
Identifiers: ClinVar variation 3070107 (VCV003070107.1), dbSNP rs146642551, ClinGen allele CA362690880.